The following is an entry in ClinVar:

NM_001253852.3(AP4B1):c.559C>A (p.Leu187Met)

Gene: AP4B1 (adaptor related protein complex 4 subunit beta 1; minus strand). Cytogenetic location: 1p13.2.
Variant type: single nucleotide variant.
Coding change: c.559C>A on transcript NM_001253852.3 (MANE Select); coding-DNA position 559, C replaced by A.
Protein change: p.Leu187Met; replaces leucine 187 with methionine.
Molecular consequence: missense variant. On other transcripts: intron variant (1).
Genome position (GRCh38, 1-based): chr1:113,901,294, G>T on the plus strand (C>A on the coding strand, the complement: AP4B1 is on the minus strand). VCF-style: chr1-113901294-G-T. GRCh37 (hg19) VCF-style: chr1-114443916-G-T.
Other names: c.262C>A, p.Leu88Met (NM_001253853.3); c.559C>A, p.Leu187Met (NM_006594.5); c.114-894C>A (NM_001308312.2); short protein forms L187M, L88M.
Identifiers: ClinVar variation 2199153 (VCV002199153.4), dbSNP rs1192505486, ClinGen allele CA341714304.

ClinVar aggregate classification (germline): Uncertain significance (1 of 4 stars; one submission).

Conditions:
Hereditary spastic paraplegia 47. Also called: CEREBRAL PALSY, SPASTIC QUADRIPLEGIC, 5; adaptor protein 4 (AP-4) deficiency syndrome; Spastic paraplegia 47, autosomal recessive. Identifiers: Orphanet 280763, MedGen C3279738, MONDO:0013551, OMIM 614066.

Allele frequency attached by ClinVar (database versions not stated): gnomAD exomes below 0.00001; TOPMed 0.00001.
gnomAD v4.1: 1 of 1,614,104 alleles (0.000062%); highest among the groups gnomAD compares: Admixed American, 0.0017%; no homozygotes.

Submission:

Labcorp Genetics (formerly Invitae), Labcorp
Classification: Uncertain significance for Hereditary spastic paraplegia 47. Last evaluated: 2022-01-17. Review status: criteria provided, single submitter. Criteria: Invitae Variant Classification Sherloc (09022015). Collection method: clinical testing. Allele origin: germline.
Comment: In summary, the available evidence is currently insufficient to determine the role of this variant in disease. Therefore, it has been classified as a Variant of Uncertain Significance. Algorithms developed to predict the effect of missense changes on protein structure and function are either unavailable or do not agree on the potential impact of this missense change (SIFT: "Tolerated"; PolyPhen-2: "Possibly Damaging"; Align-GVGD: "Class C0"). This variant has not been reported in the literature in individuals affected with AP4B1-related conditions. This variant is present in population databases (no rsID available, gnomAD 0.003%). This sequence change replaces leucine, which is neutral and non-polar, with methionine, which is neutral and non-polar, at codon 187 of the AP4B1 protein (p.Leu187Met).